The following is an entry in ClinVar:

NM_003611.3(OFD1):c.935+8A>T

Gene: OFD1 (OFD1 centriole and centriolar satellite protein; plus strand). Cytogenetic location: Xp22.2.
Variant type: single nucleotide variant.
Coding change: c.935+8A>T on transcript NM_003611.3 (MANE Select); 8 bases into the intron after coding-DNA position 935, A replaced by T.
Molecular consequence: intron variant.
Genome position (GRCh38, 1-based): chrX:13,749,541, A>T. VCF-style: chrX-13749541-A-T. GRCh37 (hg19) VCF-style: chrX-13767660-A-T.
Other names: c.935+8A>T (NM_003611.2, NM_001330209.2); c.515+8A>T (NM_001330210.2).
Identifiers: ClinVar variation 2080476 (VCV002080476.7), dbSNP rs1197775929, ClinGen allele CA640495808.

ClinVar aggregate classification (germline): Likely benign. Review status: criteria provided, multiple submitters, no conflicts (2 of 4 stars). 3 submissions from 3 submitters: Likely benign (2). 1 of the submissions does not count toward it. Last evaluated 2026-01-05.

Conditions:
Joubert syndrome. Also called: Familial aplasia of the vermis; JOUBERT-BOLTSHAUSER SYNDROME. Identifiers: Orphanet 475, MedGen C5979921, MONDO:0018772.
Orofaciodigital syndrome I (OFD1). Also called: Oral-Facial-Digital Syndrome Type I; OFDS I; Papillon-Leage and Psaume Syndrome. Identifiers: Orphanet 2750, MedGen C1510460, MONDO:0010702, OMIM 311200.
OFD1-related disorder. Also called: OFD1-related condition.

Allele frequency attached by ClinVar (database versions not stated): gnomAD 0.00001; TOPMed 0.00001.

Submissions (3):

Labcorp Genetics (formerly Invitae), Labcorp
Classification: Likely benign for Orofaciodigital syndrome I; Joubert syndrome. Last evaluated: 2026-01-05. Review status: criteria provided, single submitter. Criteria: Invitae Variant Classification Sherloc (09022015). Collection method: clinical testing. Allele origin: germline.

Blueprint Genetics
Classification: Likely benign. Last evaluated: 2024-05-24. Review status: criteria provided, single submitter. Criteria: ACMG Guidelines, 2015. Collection method: clinical testing. Allele origin: germline.

PreventionGenetics, part of Exact Sciences
Classification: Likely benign for OFD1-related condition. Last evaluated: 2023-07-11. Review status: no assertion criteria provided. Collection method: clinical testing. Allele origin: germline. Not counted in ClinVar's aggregate classification.
Comment: This variant is classified as likely benign based on ACMG/AMP sequence variant interpretation guidelines (Richards et al. 2015 PMID: 25741868, with internal and published modifications).